The following is an entry in ClinVar:

ClinVar aggregate classification (germline): Uncertain significance (1 of 4 stars; one submission).

Conditions:
Familial adenomatous polyposis 2. Also called: COLORECTAL ADENOMATOUS POLYPOSIS, AUTOSOMAL RECESSIVE; ADENOMAS, MULTIPLE COLORECTAL, AUTOSOMAL RECESSIVE; FAP type 2; MUTYH Polyposis; MYH-associated polyposis; Adenomas, multiple colorectal. Identifiers: Orphanet 220460, Orphanet 247798, MedGen C3272841, MONDO:0012041, OMIM 608456.

Submission:

Labcorp Genetics (formerly Invitae), Labcorp
Classification: Uncertain significance for Familial adenomatous polyposis 2. Last evaluated: 2024-01-09. Review status: criteria provided, single submitter. Criteria: Invitae Variant Classification Sherloc (09022015). Collection method: clinical testing. Allele origin: germline.
Comment: This sequence change falls in intron 2 of the MUTYH gene. It does not directly change the encoded amino acid sequence of the MUTYH protein. It affects a nucleotide within the consensus splice site. This variant is not present in population databases (gnomAD no frequency). This variant has not been reported in the literature in individuals affected with MUTYH-related conditions. Variants that disrupt the consensus splice site are a relatively common cause of aberrant splicing (PMID: 17576681, 9536098). Algorithms developed to predict the effect of sequence changes on RNA splicing suggest that this variant is not likely to affect RNA splicing. In summary, the available evidence is currently insufficient to determine the role of this variant in disease. Therefore, it has been classified as a Variant of Uncertain Significance.

Literature cited by the submitters: PubMed 17576681; PubMed 9536098.

NM_001048174.2(MUTYH):c.115+6G>A

Gene: MUTYH (mutY DNA glycosylase; minus strand). Cytogenetic location: 1p34.1.
Variant type: single nucleotide variant.
Coding change: c.115+6G>A on transcript NM_001048174.2 (MANE Select); 6 bases into the intron after coding-DNA position 115, G replaced by A.
Molecular consequence: intron variant.
Genome position (GRCh38, 1-based): chr1:45,334,385, C>T on the plus strand (G>A on the coding strand, the complement: MUTYH is on the minus strand). VCF-style: chr1-45334385-C-T. GRCh37 (hg19) VCF-style: chr1-45800057-C-T.
Other names: c.115+6G>A (NM_001407072.1, NM_001048171.2, NM_001407070.1 and 15 more transcripts); c.-93+6G>A (NM_001350651.2, NM_001407082.1); c.-98+6G>A (NM_001293192.2, NM_001293196.2, NM_001407091.1); c.-157+6G>A (NM_001350650.2); c.157+6G>A (NM_001407073.1, NM_001293190.2, NM_001407069.1 and 2 more transcripts); c.-42+6G>A (NM_001407075.1); c.133+6G>A (NM_001407087.1).
Identifiers: ClinVar variation 2697839 (VCV002697839.3), dbSNP rs377223870, ClinGen allele CA2697552398.
Genomic context (GRCh38, chr1:45,334,385, plus strand): 5'-ATCCCTTCCCAGCCTGAATCTGCCTTTCATGGCCAATGAGCCTTGGGCCACAACCTAGTT[C>T]CTTACCATCACAGGCAGAAGGCTTGGCCTGACTGTTGTTCTTAGCATGCTTCTGCCTCCC-3'